The following is an entry in ClinVar:

NM_001289104.2(PRKCSH):c.1266C>A (p.Cys422Ter)

Gene: PRKCSH (PRKCSH beta subunit of glucosidase II; plus strand). Cytogenetic location: 19p13.2.
Variant type: single nucleotide variant.
Coding change: c.1266C>A on transcript NM_001289104.2 (MANE Select); coding-DNA position 1266, C replaced by A.
Protein change: p.Cys422Ter; replaces cysteine 422 with a stop codon.
Molecular consequence: nonsense.
Genome position (GRCh38, 1-based): chr19:11,448,609, C>A. VCF-style: chr19-11448609-C-A. GRCh37 (hg19) VCF-style: chr19-11559424-C-A.
Other names: c.1236C>A, p.Cys412Ter (NM_001001329.3, NM_001289102.2, NM_001379609.1); c.1266C>A, p.Cys422Ter (NM_001289103.2); c.1245C>A, p.Cys415Ter (NM_001379608.1, NM_002743.3); short protein forms C422*, C412*, C415*.
Identifiers: ClinVar variation 4735501 (VCV004735501.1).

ClinVar aggregate classification (germline): Pathogenic (1 of 4 stars; one submission).

Submission:

Labcorp Genetics (formerly Invitae), Labcorp
Classification: Pathogenic. Last evaluated: 2026-01-16. Review status: criteria provided, single submitter. Criteria: Invitae Variant Classification Sherloc (09022015). Collection method: clinical testing. Allele origin: germline.
Comment: This sequence change creates a premature translational stop signal (p.Cys415*) in the PRKCSH gene. It is expected to result in an absent or disrupted protein product. Loss-of-function variants in PRKCSH are known to be pathogenic (PMID: 12529853, 12577059, 20095989). This variant is not present in population databases (gnomAD no frequency). This variant has not been reported in the literature in individuals affected with PRKCSH-related conditions. For these reasons, this variant has been classified as Pathogenic.

Literature cited by the submitters: PubMed 12529853; PubMed 12577059; PubMed 20095989.